The following is an entry in ClinVar:

ClinVar aggregate classification (germline): Uncertain significance (1 of 4 stars; one submission).

Submission:

Labcorp Genetics (formerly Invitae), Labcorp
Classification: Uncertain significance. Last evaluated: 2022-09-14. Review status: criteria provided, single submitter. Criteria: Invitae Variant Classification Sherloc (09022015). Collection method: clinical testing. Allele origin: germline.
Comment: In summary, the available evidence is currently insufficient to determine the role of this variant in disease. Therefore, it has been classified as a Variant of Uncertain Significance. Algorithms developed to predict the effect of sequence changes on RNA splicing suggest that this variant may create or strengthen a splice site. Advanced modeling of protein sequence and biophysical properties (such as structural, functional, and spatial information, amino acid conservation, physicochemical variation, residue mobility, and thermodynamic stability) performed at Invitae indicates that this missense variant is not expected to disrupt LZTR1 protein function. This variant has not been reported in the literature in individuals affected with LZTR1-related conditions. This variant is not present in population databases (gnomAD no frequency). This sequence change replaces phenylalanine, which is neutral and non-polar, with cysteine, which is neutral and slightly polar, at codon 63 of the LZTR1 protein (p.Phe63Cys).

NM_006767.4(LZTR1):c.188T>G (p.Phe63Cys)

Gene: LZTR1 (leucine zipper like post translational regulator 1; plus strand). Cytogenetic location: 22q11.21.
Variant type: single nucleotide variant.
Coding change: c.188T>G on transcript NM_006767.4 (MANE Select); coding-DNA position 188, T replaced by G.
Protein change: p.Phe63Cys; replaces phenylalanine 63 with cysteine.
Molecular consequence: missense variant.
Genome position (GRCh38, 1-based): chr22:20,982,559, T>G. VCF-style: chr22-20982559-T-G. GRCh37 (hg19) VCF-style: chr22-21336848-T-G.
Other names: short protein forms F63C.
Identifiers: ClinVar variation 2191583 (VCV002191583.4), dbSNP rs2518608014, ClinGen allele CA410778156.